The following is an entry in ClinVar:

ClinVar aggregate classification (germline): Pathogenic (1 of 4 stars; one submission).

Conditions:
Nephronophthisis. Also called: Juvenile Nephronophthisis. Identifiers: Orphanet 655, MedGen C0687120, MONDO:0019005, HP:0000090.

Submission:

Labcorp Genetics (formerly Invitae), Labcorp
Classification: Pathogenic for Nephronophthisis. Last evaluated: 2023-08-08. Review status: criteria provided, single submitter. Criteria: Invitae Variant Classification Sherloc (09022015). Collection method: clinical testing. Allele origin: germline.
Comment: This variant has not been reported in the literature in individuals affected with INVS-related conditions. ClinVar contains an entry for this variant (Variation ID: 1455250). For these reasons, this variant has been classified as Pathogenic. This variant is present in population databases (rs763565647, gnomAD 0.002%). This sequence change creates a premature translational stop signal (p.Gly28Valfs*8) in the INVS gene. It is expected to result in an absent or disrupted protein product. Loss-of-function variants in INVS are known to be pathogenic (PMID: 12872123).

Literature cited by the submitters: PubMed 12872123.

NM_014425.5(INVS):c.83del (p.Gly28fs)

Gene: INVS (inversin; plus strand). Cytogenetic location: 9q31.1.
Variant type: Deletion.
Coding change: c.83del on transcript NM_014425.5 (MANE Select); coding-DNA position 83, one base deleted (G; older notation c.83delG).
Protein change: p.Gly28fs; shifts the reading frame from glycine 28.
Molecular consequence: frameshift variant. On other transcripts: 5 prime UTR variant (2), non-coding transcript variant (1).
Genome position (GRCh38, 1-based): chr9:100,104,604, G deleted; the last of 3 consecutive G bases (chr9:100,104,602-100,104,604); deleting any one gives the same sequence. VCF-style (leftmost placement, unchanged base first): chr9-100104601-AG-A. GRCh37 (hg19) VCF-style: chr9-102866883-AG-A.
Other names: c.-294del (NM_001318381.2); c.-907del (NM_001318382.2); short protein forms G28fs.
Identifiers: ClinVar variation 1455250 (VCV001455250.6), dbSNP rs763565647, ClinGen allele CA5158055.